The following is an entry in ClinVar:

ClinVar aggregate classification (germline): Benign/Likely benign. Review status: criteria provided, multiple submitters, no conflicts (2 of 4 stars). 6 submissions from 3 submitters: Benign (4); Likely benign (2). Last evaluated 2021-10-02.

Conditions:
Trigonocephaly 1 (TRIGNO1). Identifiers: Orphanet 3366, MedGen C0432122, MONDO:0008603, OMIM 190440.
Craniosynostosis syndrome. Also called: Craniosynostosis. Identifiers: Orphanet 1531, MedGen C0010278, MeSH D003398, MONDO:0015469, HP:0001363.
Osteoglophonic dysplasia (OGD). Also called: Osteoglophonic dwarfism. Identifiers: Orphanet 2645, MedGen C0432283, MONDO:0008150, OMIM 166250.
Hypogonadotropic hypogonadism 2 with or without anosmia (HH2). Also called: HYPOGONADOTROPIC HYPOGONADISM 2 WITH OR WITHOUT ANOSMIA, SUSCEPTIBILITY TO; HYPOGONADOTROPIC HYPOGONADISM 2 WITHOUT ANOSMIA, SUSCEPTIBILITY TO; FGFR1-Related GnRH Deficiency (Kallmann Syndrome 2); HYPOGONADOTROPIC HYPOGONADISM 2 WITHOUT ANOSMIA. Identifiers: Orphanet 478, MedGen C1563720, MONDO:0007844, OMIM 147950. Disease mechanism: loss of function.

Allele frequency attached by ClinVar (database versions not stated): gnomAD exomes 0.00064; 1000 Genomes Project 0.00260; 1000 Genomes Project 30x 0.00328; gnomAD 0.00364 and 0.00392; TOPMed 0.00403.

Submissions (6):

GeneDx
Classification: Likely benign. Last evaluated: 2021-10-02. Review status: criteria provided, single submitter. Criteria: GeneDx Variant Classification Process June 2021. Collection method: clinical testing. Allele origin: germline. Affected: yes.

Illumina Laboratory Services, Illumina
Classification: Benign for Trigonocephaly 1. Last evaluated: 2018-01-12. Review status: criteria provided, single submitter. Criteria: ICSL Variant Classification Criteria 13 December 2019. Collection method: clinical testing. Allele origin: germline.
Comment: This variant was observed in the ICSL laboratory as part of a predisposition screen in an ostensibly healthy population. It had not been previously curated by ICSL or reported in the Human Gene Mutation Database (HGMD: prior to June 1st, 2018), and was therefore a candidate for classification through an automated scoring system. Utilizing variant allele frequency, disease prevalence and penetrance estimates, and inheritance mode, an automated score was calculated to assess if this variant is too frequent to cause the disease. Based on the score and internal cut-off values, a variant classified as benign is not then subjected to further curation. The score for this variant resulted in a classification of benign for this disease.

Illumina Laboratory Services, Illumina
Classification: Benign for Craniosynostosis. Last evaluated: 2018-01-12. Review status: criteria provided, single submitter. Criteria: ICSL Variant Classification Criteria 13 December 2019. Collection method: clinical testing. Allele origin: germline.
Comment: the same text as in the submission from Illumina Laboratory Services, Illumina above.

Illumina Laboratory Services, Illumina
Classification: Benign for Osteoglophonic dysplasia. Last evaluated: 2018-01-12. Review status: criteria provided, single submitter. Criteria: ICSL Variant Classification Criteria 13 December 2019. Collection method: clinical testing. Allele origin: germline.
Comment: the same text as in the submission from Illumina Laboratory Services, Illumina above.

Illumina Laboratory Services, Illumina
Classification: Benign for Hypogonadotropic hypogonadism 2 with or without anosmia. Last evaluated: 2018-01-12. Review status: criteria provided, single submitter. Criteria: ICSL Variant Classification Criteria 13 December 2019. Collection method: clinical testing. Allele origin: germline.
Comment: the same text as in the submission from Illumina Laboratory Services, Illumina above.

Breakthrough Genomics
Classification: Likely benign. Review status: criteria provided, single submitter. Criteria: ACMG Guidelines, 2015. Collection method: not provided. Allele origin: germline. Inheritance: Autosomal dominant inheritance. Affected: yes.

NM_023110.3(FGFR1):c.*569C>T

Gene: FGFR1 (fibroblast growth factor receptor 1; minus strand). Cytogenetic location: 8p11.23.
Variant type: single nucleotide variant.
Coding change: c.*569C>T on transcript NM_023110.3 (MANE Select); 569 bases downstream of the stop codon, C replaced by T.
Molecular consequence: 3 prime UTR variant. On other transcripts: intron variant (3).
Genome position (GRCh38, 1-based): chr8:38,413,059, G>A on the plus strand (C>T on the coding strand, the complement: FGFR1 is on the minus strand). VCF-style: chr8-38413059-G-A. GRCh37 (hg19) VCF-style: chr8-38270577-G-A.
Other names: c.*569C>T (NM_001174063.2, NM_001174064.2, NM_001174065.2 and 6 more transcripts); c.2020-464C>T (NM_001354370.2); c.2287-464C>T (NM_001354367.2); c.2281-464C>T (NM_001354369.2).
Identifiers: ClinVar variation 362882 (VCV000362882.7), dbSNP rs17182470, ClinGen allele CA10630957.